The following is an entry in ClinVar:

NM_004589.4(SCO1):c.*272T>C

Gene: SCO1 (synthesis of cytochrome C oxidase 1; minus strand). Cytogenetic location: 17p13.1.
Variant type: single nucleotide variant.
Coding change: c.*272T>C on transcript NM_004589.4 (MANE Select); 272 bases downstream of the stop codon, T replaced by C.
Molecular consequence: 3 prime UTR variant.
Genome position (GRCh38, 1-based): chr17:10,680,847, A>G on the plus strand (T>C on the coding strand, the complement: SCO1 is on the minus strand). VCF-style: chr17-10680847-A-G. GRCh37 (hg19) VCF-style: chr17-10584164-A-G.
Identifiers: ClinVar variation 321788 (VCV000321788.8), dbSNP rs2662956, ClinGen allele CA10648570.
Genomic context (GRCh38, chr17:10,680,847, plus strand): 5'-GGGAGGGCCTGTTCGCAGGCAGGAATGCACTGGCTGTGCCTCGCCCCGCCATGTCCTTCC[A>G]CAGGTGGGCTCTTCACTGGCTTCACTTCAGCTTGATCCTCTGGTCTCCCCACAGCTTCCT-3'

ClinVar aggregate classification (germline): Benign/Likely benign. Review status: criteria provided, multiple submitters, no conflicts (2 of 4 stars). 3 submissions from 3 submitters: Benign (2); Likely benign (1). Last evaluated 2018-07-09.

Conditions:
Leigh syndrome (NULS). Also called: Leigh Disease; Subacute necrotizing encephalopathy; Necrotizing encephalopathy infantile subacute of Leigh; Leigh's necrotizing encephalopathy; Leigh's disease; Leigh's syndrome. Identifiers: Orphanet 506, MedGen C2931891, MONDO:0009723, OMIM 256000.

Allele frequency attached by ClinVar (database versions not stated): gnomAD exomes 0.00671; gnomAD 0.03921 and 0.04198; TOPMed 0.04661; 1000 Genomes Project 0.04992; 1000 Genomes Project 30x 0.05231.
gnomAD v4.1: 8,455 of 506,918 alleles (1.7%); highest among the groups gnomAD compares: African/African-American, 13%; 490 homozygotes.

Submissions (3):

GeneDx
Classification: Benign. Last evaluated: 2018-07-09. Review status: criteria provided, single submitter. Criteria: GeneDx Variant Classification Process June 2021. Collection method: clinical testing. Allele origin: germline. Affected: yes.

Illumina Laboratory Services, Illumina
Classification: Benign for Leigh syndrome. Last evaluated: 2018-01-12. Review status: criteria provided, single submitter. Criteria: ICSL Variant Classification Criteria 13 December 2019. Collection method: clinical testing. Allele origin: germline.
Comment: This variant was observed in the ICSL laboratory as part of a predisposition screen in an ostensibly healthy population. It had not been previously curated by ICSL or reported in the Human Gene Mutation Database (HGMD: prior to June 1st, 2018), and was therefore a candidate for classification through an automated scoring system. Utilizing variant allele frequency, disease prevalence and penetrance estimates, and inheritance mode, an automated score was calculated to assess if this variant is too frequent to cause the disease. Based on the score and internal cut-off values, a variant classified as benign is not then subjected to further curation. The score for this variant resulted in a classification of benign for this disease.

Breakthrough Genomics
Classification: Likely benign. Review status: criteria provided, single submitter. Criteria: ACMG Guidelines, 2015. Collection method: not provided. Allele origin: germline. Inheritance: Autosomal recessive inheritance. Affected: yes.